The following is an entry in ClinVar:

ClinVar aggregate classification (germline): Uncertain significance (1 of 4 stars; one submission).

Conditions:
Combined immunodeficiency due to LRBA deficiency. Also called: Common variable immunodeficiency 8, with autoimmunity. Identifiers: Orphanet 445018, MedGen C3553512, MONDO:0013863, OMIM 614700.

Allele frequency attached by ClinVar (database versions not stated): gnomAD 0.00001; gnomAD exomes 0.00001 and 0.00002; TOPMed 0.00003.
gnomAD v4.1: 32 of 1,613,580 alleles (0.002%); highest among the groups gnomAD compares: Non-Finnish European, 0.0027%; no homozygotes.

Submission:

Labcorp Genetics (formerly Invitae), Labcorp
Classification: Uncertain significance for Combined immunodeficiency due to LRBA deficiency. Last evaluated: 2024-08-05. Review status: criteria provided, single submitter. Criteria: Invitae Variant Classification Sherloc (09022015). Collection method: clinical testing. Allele origin: germline.
Comment: This sequence change replaces arginine, which is basic and polar, with serine, which is neutral and polar, at codon 2041 of the LRBA protein (p.Arg2041Ser). This variant is not present in population databases (gnomAD no frequency). This variant has not been reported in the literature in individuals affected with LRBA-related conditions. ClinVar contains an entry for this variant (Variation ID: 1432818). Advanced modeling of protein sequence and biophysical properties (such as structural, functional, and spatial information, amino acid conservation, physicochemical variation, residue mobility, and thermodynamic stability) performed at Invitae indicates that this missense variant is not expected to disrupt LRBA protein function with a negative predictive value of 80%. In summary, the available evidence is currently insufficient to determine the role of this variant in disease. Therefore, it has been classified as a Variant of Uncertain Significance.

NM_001364905.1(LRBA):c.6090G>C (p.Arg2030Ser)

Gene: LRBA (LPS responsive beige-like anchor protein; minus strand). Cytogenetic location: 4q31.3.
Variant type: single nucleotide variant.
Coding change: c.6090G>C on transcript NM_001364905.1 (MANE Select); coding-DNA position 6090, G replaced by C.
Protein change: p.Arg2030Ser; replaces arginine 2030 with serine.
Molecular consequence: missense variant.
Genome position (GRCh38, 1-based): chr4:150,590,816, C>G on the plus strand (G>C on the coding strand, the complement: LRBA is on the minus strand). VCF-style: chr4-150590816-C-G. GRCh37 (hg19) VCF-style: chr4-151511968-C-G.
Other names: c.6090G>C, p.Arg2030Ser (NM_001199282.3, NM_001367550.1); c.6123G>C, p.Arg2041Ser (NM_006726.5); short protein forms R2041S, R2030S.
Identifiers: ClinVar variation 1432818 (VCV001432818.7), dbSNP rs780610551, ClinGen allele CA108378403.